The following is an entry in ClinVar:

ClinVar aggregate classification (germline): Uncertain significance (1 of 4 stars; one submission).

gnomAD v4.1: 3 of 1,571,626 alleles (0.00019%); highest among the groups gnomAD compares: Non-Finnish European, 0.00017%; no homozygotes.

Submission:

GeneDx
Classification: Uncertain significance. Last evaluated: 2024-04-28. Review status: criteria provided, single submitter. Criteria: GeneDx Variant Classification Process June 2021. Collection method: clinical testing. Allele origin: germline. Affected: yes.
Comment: Not observed at significant frequency in large population cohorts (gnomAD); In silico analysis supports that this missense variant has a deleterious effect on protein structure/function; Has not been previously published as pathogenic or benign to our knowledge

NM_001330311.2(DVL1):c.141C>A (p.Phe47Leu)

Gene: DVL1 (dishevelled segment polarity protein 1; minus strand). Cytogenetic location: 1p36.33.
Variant type: single nucleotide variant.
Coding change: c.141C>A on transcript NM_001330311.2 (MANE Select); coding-DNA position 141, C replaced by A.
Protein change: p.Phe47Leu; replaces phenylalanine 47 with leucine.
Molecular consequence: missense variant.
Genome position (GRCh38, 1-based): chr1:1,348,925, G>T on the plus strand (C>A on the coding strand, the complement: DVL1 is on the minus strand). VCF-style: chr1-1348925-G-T. GRCh37 (hg19) VCF-style: chr1-1284305-G-T.
Other names: c.141C>A, p.Phe47Leu (NM_004421.3); short protein forms F47L.
Identifiers: ClinVar variation 3373023 (VCV003373023.1).